The following is an entry in ClinVar:

NM_024426.6(WT1):c.636G>C (p.Glu212Asp)

Genes: WT1 (WT1 transcription factor; minus strand), LOC107982234 (WT1/WT1-AS bi-directional promoter region; plus strand). Cytogenetic location: 11p13.
Variant type: single nucleotide variant.
Coding change: c.636G>C on transcript NM_024426.6 (MANE Select); coding-DNA position 636, G replaced by C.
Protein change: p.Glu212Asp; replaces glutamic acid 212 with aspartic acid.
Molecular consequence: missense variant. On other transcripts: non-coding transcript variant (2).
Genome position (GRCh38, 1-based): chr11:32,434,725, C>G on the plus strand (G>C on the coding strand, the complement: WT1 is on the minus strand). VCF-style: chr11-32434725-C-G. GRCh37 (hg19) VCF-style: chr11-32456271-C-G.
Other names: c.636G>C, p.Glu212Asp (NM_000378.6, NM_001407044.1, NM_001407045.1 and 6 more transcripts); c.621G>C, p.Glu207Asp (NM_024425.2); short protein forms E207D, E212D.
Identifiers: ClinVar variation 2573852 (VCV002573852.5), dbSNP rs2494475340, ClinGen allele CA379964463.

ClinVar aggregate classification (germline): Uncertain significance. Review status: criteria provided, multiple submitters, no conflicts (2 of 4 stars). 3 submissions from 3 submitters: Uncertain significance (3). Last evaluated 2024-11-21.

Conditions:
Frasier syndrome. Identifiers: Orphanet 347, MedGen C0950122, MeSH D052159, MONDO:0007635, OMIM 136680.
Wilms tumor 1 (WT1). Also called: Wilms tumor, somatic. Identifiers: Orphanet 654, MedGen CN033288, MONDO:0008679, OMIM 194070.
11p partial monosomy syndrome (WAGR). Also called: CHROMOSOME 11p13 DELETION SYNDROME; WAGR Spectrum Disorder; WAGR syndrome; WAGR Complex. Identifiers: Orphanet 893, MedGen C0206115, MONDO:0008681, OMIM 194072.
Drash syndrome (DDS). Also called: NEPHROPATHY, WILMS TUMOR, AND GENITAL ANOMALIES; WILMS TUMOR AND PSEUDO- OR TRUE HERMAPHRODITISM. Identifiers: Orphanet 220, MedGen C0950121, MONDO:0008682, OMIM 194080.
Inborn genetic diseases. Identifiers: MedGen C0950123, MeSH D030342.

Submissions (3):

Ambry Genetics
Classification: Uncertain significance for Inborn genetic diseases. Last evaluated: 2024-11-21. Review status: criteria provided, single submitter. Criteria: Ambry Variant Classification Scheme 2023. Collection method: clinical testing. Allele origin: germline.
Comment: The p.E207D variant (also known as c.621G>C), located in coding exon 1 of the WT1 gene, results from a G to C substitution at nucleotide position 621. The glutamic acid at codon 207 is replaced by aspartic acid, an amino acid with highly similar properties. This amino acid position is conserved. In addition, this alteration is predicted to be tolerated by in silico analysis. Based on the available evidence, the clinical significance of this variant remains unclear.

Labcorp Genetics (formerly Invitae), Labcorp
Classification: Uncertain significance for Wilms tumor 1; Drash syndrome; 11p partial monosomy syndrome; Frasier syndrome. Last evaluated: 2023-09-27. Review status: criteria provided, single submitter. Criteria: Invitae Variant Classification Sherloc (09022015). Collection method: clinical testing. Allele origin: germline.
Comment: This variant is not present in population databases (gnomAD no frequency). This sequence change replaces glutamic acid, which is acidic and polar, with aspartic acid, which is acidic and polar, at codon 207 of the WT1 protein (p.Glu207Asp). This variant has not been reported in the literature in individuals affected with WT1-related conditions. In summary, the available evidence is currently insufficient to determine the role of this variant in disease. Therefore, it has been classified as a Variant of Uncertain Significance. An algorithm developed to predict the effect of missense changes on protein structure and function (PolyPhen-2) suggests that this variant is likely to be tolerated. ClinVar contains an entry for this variant (Variation ID: 2573852).

GeneDx
Classification: Uncertain significance. Last evaluated: 2023-01-19. Review status: criteria provided, single submitter. Criteria: GeneDx Variant Classification Process June 2021. Collection method: clinical testing. Allele origin: germline. Affected: yes.
Comment: Not observed at significant frequency in large population cohorts (gnomAD); In silico analysis supports that this missense variant does not alter protein structure/function; Has not been previously published as pathogenic or benign to our knowledge; This variant is associated with the following publications: (PMID: 8486616)